The following is an entry in ClinVar:

NM_001457.4(FLNB):c.2464A>G (p.Lys822Glu)

Gene: FLNB (filamin B; plus strand). Cytogenetic location: 3p14.3.
Variant type: single nucleotide variant.
Coding change: c.2464A>G on transcript NM_001457.4 (MANE Select); coding-DNA position 2464, A replaced by G.
Protein change: p.Lys822Glu; replaces lysine 822 with glutamic acid.
Molecular consequence: missense variant.
Genome position (GRCh38, 1-based): chr3:58,110,150, A>G. VCF-style: chr3-58110150-A-G. GRCh37 (hg19) VCF-style: chr3-58095877-A-G.
Other names: c.2464A>G, p.Lys822Glu (NM_001164317.2, NM_001164318.2, NM_001164319.2); short protein forms K822E.
Identifiers: ClinVar variation 3635710 (VCV003635710.2).

ClinVar aggregate classification (germline): Uncertain significance (1 of 4 stars; one submission).

Submission:

Labcorp Genetics (formerly Invitae), Labcorp
Classification: Uncertain significance. Last evaluated: 2024-02-12. Review status: criteria provided, single submitter. Criteria: Invitae Variant Classification Sherloc (09022015). Collection method: clinical testing. Allele origin: germline.
Comment: This sequence change replaces lysine, which is basic and polar, with glutamic acid, which is acidic and polar, at codon 822 of the FLNB protein (p.Lys822Glu). This variant is not present in population databases (gnomAD no frequency). This variant has not been reported in the literature in individuals affected with FLNB-related conditions. Advanced modeling of protein sequence and biophysical properties (such as structural, functional, and spatial information, amino acid conservation, physicochemical variation, residue mobility, and thermodynamic stability) performed at Invitae indicates that this missense variant is not expected to disrupt FLNB protein function with a negative predictive value of 95%. In summary, the available evidence is currently insufficient to determine the role of this variant in disease. Therefore, it has been classified as a Variant of Uncertain Significance.